The following is an entry in ClinVar:

NM_206933.4(USH2A):c.5390A>G (p.Asn1797Ser)

Genes: USH2A-AS2 (USH2A antisense RNA 2; plus strand), USH2A (usherin; minus strand). Cytogenetic location: 1q41.
Variant type: single nucleotide variant.
Coding change: c.5390A>G on transcript NM_206933.4 (MANE Select); coding-DNA position 5390, A replaced by G.
Protein change: p.Asn1797Ser; replaces asparagine 1797 with serine.
Molecular consequence: missense variant.
Genome position (GRCh38, 1-based): chr1:216,078,271, T>C on the plus strand (A>G on the coding strand, the complement: USH2A is on the minus strand). VCF-style: chr1-216078271-T-C. GRCh37 (hg19) VCF-style: chr1-216251613-T-C.
Other names: short protein forms N1797S.
Identifiers: ClinVar variation 1307791 (VCV001307791.2), dbSNP rs2031822338, ClinGen allele CA344856352.
Genomic context (GRCh38, chr1:216,078,271, plus strand): 5'-TTCACACTTGCTGATATGAAAGAGCCTTCCTTTTTAATAATGACTTTATTCCACTTTCCA[T>C]TACAATAGGATAGCCCCAGCAATAGATCCACTTGTGTAAAGGCAAGACTGGTATTTAACC-3'
Protein context (NP_996816.3, residues 1787-1807): VDLLLGLSYC[Asn1797Ser]GKWNKVIIKK

ClinVar aggregate classification (germline): Uncertain significance (1 of 4 stars; one submission).

gnomAD v4.1: 3 of 1,613,782 alleles (0.00019%); no homozygotes.

Submission:

GeneDx
Classification: Uncertain significance. Last evaluated: 2019-08-14. Review status: criteria provided, single submitter. Criteria: GeneDx Variant Classification Process June 2021. Collection method: clinical testing. Allele origin: germline. Affected: yes.
Comment: Not observed in large population cohorts (Lek et al., 2016); In silico analysis, which includes protein predictors and evolutionary conservation, supports that this variant does not alter protein structure/function; Has not been previously published as pathogenic or benign to our knowledge